The following is an entry in ClinVar:

ClinVar aggregate classification (germline): Uncertain significance. Review status: criteria provided, multiple submitters, no conflicts (2 of 4 stars). 2 submissions from 2 submitters: Uncertain significance (2). Last evaluated 2026-01-13.

Allele frequency attached by ClinVar (database versions not stated): gnomAD exomes below 0.00001; TOPMed below 0.00001; gnomAD 0.00001.
gnomAD v4.1: 4 of 1,611,570 alleles (0.00025%); highest among the groups gnomAD compares: Non-Finnish European, 0.00034%; no homozygotes.

Submissions (2):

Labcorp Genetics (formerly Invitae), Labcorp
Classification: Uncertain significance. Last evaluated: 2026-01-13. Review status: criteria provided, single submitter. Criteria: Invitae Variant Classification Sherloc (09022015). Collection method: clinical testing. Allele origin: germline.
Comment: This sequence change falls in intron 8 of the SETD5 gene. It does not directly change the encoded amino acid sequence of the SETD5 protein. It affects a nucleotide within the consensus splice site. This variant is present in population databases (no rsID available, gnomAD 0.007%). This variant has not been reported in the literature in individuals affected with SETD5-related conditions. ClinVar contains an entry for this variant (Variation ID: 1706151). Variants that disrupt the consensus splice site are a relatively common cause of aberrant splicing (PMID: 17576681, 9536098). Algorithms developed to predict the effect of sequence changes on RNA splicing suggest that this variant may disrupt the consensus splice site. In summary, the available evidence is currently insufficient to determine the role of this variant in disease. Therefore, it has been classified as a Variant of Uncertain Significance.

GeneDx
Classification: Uncertain significance. Last evaluated: 2022-03-17. Review status: criteria provided, single submitter. Criteria: GeneDx Variant Classification Process June 2021. Collection method: clinical testing. Allele origin: germline. Affected: yes.
Comment: Not observed at significant frequency in large population cohorts (gnomAD); In silico analysis supports that this variant does not alter splicing; Has not been previously published as pathogenic or benign to our knowledge

Literature cited by the submitters: PubMed 17576681 (cited by Labcorp Genetics (formerly Invitae), Labcorp); PubMed 9536098 (cited by Labcorp Genetics (formerly Invitae), Labcorp).

NM_001080517.3(SETD5):c.810+5G>T

Gene: SETD5 (SET domain containing 5; plus strand). Cytogenetic location: 3p25.3.
Variant type: single nucleotide variant.
Coding change: c.810+5G>T on transcript NM_001080517.3 (MANE Select); 5 bases into the intron after coding-DNA position 810, G replaced by T.
Molecular consequence: intron variant.
Genome position (GRCh38, 1-based): chr3:9,440,703, G>T. VCF-style: chr3-9440703-G-T. GRCh37 (hg19) VCF-style: chr3-9482387-G-T.
Other names: c.516+5G>T (NM_001349451.2, NM_001292043.2).
Identifiers: ClinVar variation 1706151 (VCV001706151.3), dbSNP rs1278552034, ClinGen allele CA540860423.